The following is an entry in ClinVar:

ClinVar aggregate classification (germline): Benign/Likely benign. Review status: criteria provided, multiple submitters, no conflicts (2 of 4 stars). 4 submissions from 4 submitters: Benign (1); Likely benign (2). 1 of the submissions does not count toward it. Last evaluated 2026-08-01.

Conditions:
GLDN-related disorder. Also called: GLDN-related condition.

Allele frequency attached by ClinVar (database versions not stated): 1000 Genomes Project 30x 0.00078; ESP Exome Variant Server 0.00212; TOPMed 0.00243; gnomAD 0.00277 and 0.00287; gnomAD exomes 0.00313 and 0.00381; ExAC 0.00389.
gnomAD v4.1: 5,880 of 1,597,458 alleles (0.37%); highest among the groups gnomAD compares: Non-Finnish European, 0.42%; 14 homozygotes.

Submissions (4):

CeGaT Center for Human Genetics Tuebingen
Classification: Likely benign. Last evaluated: 2026-08-01. Review status: criteria provided, single submitter. Criteria: CeGaT Center For Human Genetics Tuebingen Variant Classification Criteria Version 2. Collection method: clinical testing. Allele origin: germline. Affected: yes. Observed: 2 variant alleles.
Comment: GLDN: BS2

Blueprint Genetics
Classification: Likely benign. Last evaluated: 2024-11-26. Review status: criteria provided, single submitter. Criteria: ACMG Guidelines, 2015. Collection method: clinical testing. Allele origin: germline.

Labcorp Genetics (formerly Invitae), Labcorp
Classification: Benign. Last evaluated: 2019-12-31. Review status: criteria provided, single submitter. Criteria: Invitae Variant Classification Sherloc (09022015). Collection method: clinical testing. Allele origin: germline.

PreventionGenetics, part of Exact Sciences
Classification: Benign for GLDN-related condition. Last evaluated: 2019-05-10. Review status: no assertion criteria provided. Collection method: clinical testing. Allele origin: germline. Not counted in ClinVar's aggregate classification.
Comment: This variant is classified as benign based on ACMG/AMP sequence variant interpretation guidelines (Richards et al. 2015 PMID: 25741868, with internal and published modifications).

NM_181789.4(GLDN):c.269C>T (p.Ala90Val)

Gene: GLDN (gliomedin; plus strand). Cytogenetic location: 15q21.2.
Variant type: single nucleotide variant.
Coding change: c.269C>T on transcript NM_181789.4 (MANE Select); coding-DNA position 269, C replaced by T.
Protein change: p.Ala90Val; replaces alanine 90 with valine.
Molecular consequence: missense variant.
Genome position (GRCh38, 1-based): chr15:51,341,953, C>T. VCF-style: chr15-51341953-C-T. GRCh37 (hg19) VCF-style: chr15-51634150-C-T.
Other names: short protein forms A90V.
Identifiers: ClinVar variation 546754 (VCV000546754.49), dbSNP rs186935606, ClinGen allele CA7560248.
Genomic context (GRCh38, chr15:51,341,953, plus strand): 5'-CCGAGTTGAGCCGCGCGCCGCGCGGGGCGTCCGCACCACCCCAAGACCCGGCCAGCTCAG[C>T]TCGCAACAAGCGCAGCCACAGCGGCGAGCCCGCGCCGCATATCCGCGCCGAGAGCCATGA-3'
Protein context (NP_861454.2, residues 80-100): SAPPQDPASS[Ala90Val]RNKRSHSGEP